The following is an entry in ClinVar:

ClinVar aggregate classification (germline): Uncertain significance (1 of 4 stars; one submission).

Conditions:
Inborn genetic diseases. Identifiers: MedGen C0950123, MeSH D030342.

gnomAD v4.1: 1 of 1,614,258 alleles (0.000062%); highest among the groups gnomAD compares: South Asian, 0.0011%; no homozygotes.

Submission:

Ambry Genetics
Classification: Uncertain significance for Inborn genetic diseases. Last evaluated: 2026-05-14. Review status: criteria provided, single submitter. Criteria: Ambry Variant Classification Scheme 2023. Collection method: clinical testing. Allele origin: germline.
Comment: The p.G147V variant (also known as c.440G>T), located in coding exon 1 of the SERPINA1 gene, results from a G to T substitution at nucleotide position 440. The glycine at codon 147 is replaced by valine, an amino acid with dissimilar properties. This amino acid position is conserved. In addition, this alteration is predicted to be tolerated by in silico analysis. Based on the available evidence, the clinical significance of this variant remains unclear.

NM_000295.5(SERPINA1):c.440G>T (p.Gly147Val)

Gene: SERPINA1 (serpin family A member 1; minus strand). Cytogenetic location: 14q32.13.
Variant type: single nucleotide variant.
Coding change: c.440G>T on transcript NM_000295.5 (MANE Select); coding-DNA position 440, G replaced by T.
Protein change: p.Gly147Val; replaces glycine 147 with valine.
Molecular consequence: missense variant.
Genome position (GRCh38, 1-based): chr14:94,382,798, C>A on the plus strand (G>T on the coding strand, the complement: SERPINA1 is on the minus strand). VCF-style: chr14-94382798-C-A. GRCh37 (hg19) VCF-style: chr14-94849135-C-A.
Other names: c.440G>T, p.Gly147Val (NM_001127706.2, NM_001127707.2, NM_001002235.3 and 7 more transcripts); short protein forms G147V.
Identifiers: ClinVar variation 4864320 (VCV004864320.1).